The following is an entry in ClinVar:

NM_000487.6(ARSA):c.*93G>A

Gene: ARSA (arylsulfatase A; minus strand). Cytogenetic location: 22q13.33.
Variant type: single nucleotide variant.
Coding change: c.*93G>A on transcript NM_000487.6 (MANE Select); 93 bases downstream of the stop codon, G replaced by A.
Molecular consequence: 3 prime UTR variant.
Genome position (GRCh38, 1-based): chr22:50,625,052, C>T on the plus strand (G>A on the coding strand, the complement: ARSA is on the minus strand). VCF-style: chr22-50625052-C-T. GRCh37 (hg19) VCF-style: chr22-51063480-C-T.
Other names: c.*93G>A (NM_001085425.3, NM_001085426.3, NM_001085427.3 and 2 more transcripts).
Identifiers: ClinVar variation 4981832 (VCV004981832.1).

ClinVar aggregate classification (germline): Likely benign (1 of 4 stars; one submission).

Conditions:
ARSA-related disorder. Also called: ARSA-related condition.

gnomAD v4.1: 37 of 1,360,106 alleles (0.0027%); highest among the groups gnomAD compares: Admixed American, 0.048%; 1 homozygote.

Submission:

PreventionGenetics, part of Exact Sciences
Classification: Likely benign for ARSA-related condition. Last evaluated: 2025-04-29. Review status: criteria provided, single submitter. Criteria: ACMG Guidelines, 2015. Collection method: clinical testing. Allele origin: germline.
Comment: This variant is classified as likely benign based on ACMG/AMP sequence variant interpretation guidelines (Richards et al. 2015 PMID: 25741868, with internal and published modifications).